The following is an entry in ClinVar:

NM_030912.3(TRIM8):c.1A>G (p.Met1Val)

Gene: TRIM8 (tripartite motif containing 8; plus strand). Cytogenetic location: 10q24.32.
Variant type: single nucleotide variant.
Coding change: c.1A>G on transcript NM_030912.3 (MANE Select); coding-DNA position 1, A replaced by G.
Protein change: p.Met1Val; changes the start codon (methionine 1).
Molecular consequence: missense variant, initiator codon variant. On other transcripts: non-coding transcript variant (1).
Genome position (GRCh38, 1-based): chr10:102,644,618, A>G. VCF-style: chr10-102644618-A-G. GRCh37 (hg19) VCF-style: chr10-104404375-A-G.
Other names: c.1A>G, p.Met1Val (NM_001345950.1); short protein forms M1V.
Identifiers: ClinVar variation 1318796 (VCV001318796.3), dbSNP rs2135973561, ClinGen allele CA377923534.

ClinVar aggregate classification (germline): Uncertain significance (1 of 4 stars; one submission).

Submission:

GeneDx
Classification: Uncertain significance. Last evaluated: 2021-04-13. Review status: criteria provided, single submitter. Criteria: GeneDx Variant Classification Process June 2021. Collection method: clinical testing. Allele origin: germline. Affected: yes.
Comment: Not observed in large population cohorts (Lek et al., 2016); Initiation codon variant in a gene for which loss-of-function is not a known mechanism of disease; Has not been previously published as pathogenic or benign to our knowledge